The following is an entry in ClinVar:

NR_003051.4(RMRP):n.51C>T

Gene: RMRP (RNA component of mitochondrial RNA processing endoribonuclease; minus strand). Cytogenetic location: 9p13.3.
Variant type: single nucleotide variant.
Genome position: GRCh38 VCF-style: chr9-35657969-G-A. GRCh37 (hg19) VCF-style: chr9-35657966-G-A.
Identifiers: ClinVar variation 1014650 (VCV001014650.8), dbSNP rs1030486815, ClinGen allele CA192745677.

ClinVar aggregate classification (germline): Uncertain significance. Review status: criteria provided, single submitter (1 of 4 stars). 2 submissions from 2 submitters: Uncertain significance (1). 1 of the submissions does not count toward it. Last evaluated 2025-02-13.

Conditions:
Anauxetic dysplasia. Identifiers: Orphanet 93347, MedGen C1846796, MONDO:0011773.
Metaphyseal chondrodysplasia, McKusick type (CHH). Also called: Cartilage-Hair Hypoplasia (CHH); Cartilage-hair hypoplasia. Identifiers: Orphanet 175, MedGen C0220748, MONDO:0009595, OMIM 250250.

Allele frequency attached by ClinVar (database versions not stated): gnomAD exomes 0.00003 and 0.00006; TOPMed 0.00003; gnomAD 0.00007.
gnomAD v4.1: 25 of 700,332 alleles (0.0036%); highest among the groups gnomAD compares: Admixed American, 0.038%; no homozygotes.

Submissions (2):

Labcorp Genetics (formerly Invitae), Labcorp
Classification: Uncertain significance for Anauxetic dysplasia. Last evaluated: 2025-02-13. Review status: criteria provided, single submitter. Criteria: Invitae Variant Classification Sherloc (09022015). Collection method: clinical testing. Allele origin: germline.
Comment: This variant occurs in the RMRP gene, which encodes an RNA molecule that does not result in a protein product. This variant is present in population databases (no rsID available, gnomAD 0.03%). This variant has not been reported in the literature in individuals affected with RMRP-related conditions. ClinVar contains an entry for this variant (Variation ID: 1014650). Experimental studies and prediction algorithms are not available or were not evaluated, and the functional significance of this variant is currently unknown. In summary, the available evidence is currently insufficient to determine the role of this variant in disease. Therefore, it has been classified as a Variant of Uncertain Significance.

Natera, Inc.
Classification: Uncertain significance for Cartilage-hair hypoplasia. Last evaluated: 2020-03-24. Review status: no assertion criteria provided. Collection method: clinical testing. Allele origin: germline. Not counted in ClinVar's aggregate classification.